The following is an entry in ClinVar:

ClinVar aggregate classification (germline): Uncertain significance (1 of 4 stars; one submission).

Submission:

Labcorp Genetics (formerly Invitae), Labcorp
Classification: Uncertain significance. Last evaluated: 2022-07-23. Review status: criteria provided, single submitter. Criteria: Invitae Variant Classification Sherloc (09022015). Collection method: clinical testing. Allele origin: germline.
Comment: This variant, c.2211_2213del, results in the deletion of 1 amino acid(s) of the PLK4 protein (p.Glu737del), but otherwise preserves the integrity of the reading frame. This variant is not present in population databases (gnomAD no frequency). This variant has not been reported in the literature in individuals affected with PLK4-related conditions. Experimental studies and prediction algorithms are not available or were not evaluated, and the functional significance of this variant is currently unknown. Algorithms developed to predict the effect of sequence changes on RNA splicing suggest that this variant may disrupt the consensus splice site. In summary, the available evidence is currently insufficient to determine the role of this variant in disease. Therefore, it has been classified as a Variant of Uncertain Significance.

NM_014264.5(PLK4):c.2208AGA[1] (p.Glu737del)

Gene: PLK4 (polo like kinase 4; plus strand). Cytogenetic location: 4q28.1.
Variant type: Microsatellite.
Coding change: c.2208AGA[1] on transcript NM_014264.5 (MANE Select); one copy of the 3-base unit AGA starting at c.2208; the reference has two copies in a row; one copy, 3 bases deleted.
Protein change: p.Glu737del; deletes glutamic acid 737.
Molecular consequence: inframe deletion.
Genome position (GRCh38, 1-based): chr4:127,893,307-127,893,309, AGA deleted; deleting any 3 consecutive bases within chr4:127,893,304-127,893,309 gives the same sequence; the position shown is the placement nearest the transcript's 3' end. VCF-style (leftmost placement, unchanged base first): chr4-127893303-CAGA-C. GRCh37 (hg19) VCF-style: chr4-128814458-CAGA-C.
Other names: c.2112AGA[1], p.Glu705del (NM_001190799.2); c.2085AGA[1], p.Glu696del (NM_001190801.2); short protein forms E705del, E737del, E696del.
Identifiers: ClinVar variation 2081649 (VCV002081649.2), dbSNP rs1553940147, ClinGen allele CA358160965.